The following is an entry in ClinVar:

ClinVar aggregate classification (germline): Uncertain significance. Review status: criteria provided, multiple submitters, no conflicts (2 of 4 stars). 3 submissions from 3 submitters: Uncertain significance (3). Last evaluated 2025-10-01.

Allele frequency attached by ClinVar (database versions not stated): TOPMed 0.00027; ExAC 0.00001; gnomAD 0.00020.

Submissions (3):

Labcorp Genetics (formerly Invitae), Labcorp
Classification: Uncertain significance. Last evaluated: 2025-10-01. Review status: criteria provided, single submitter. Criteria: Invitae Variant Classification Sherloc (09022015). Collection method: clinical testing. Allele origin: germline.
Comment: This sequence change replaces glutamine, which is neutral and polar, with histidine, which is basic and polar, at codon 824 of the SPTB protein (p.Gln824His). This variant is present in population databases (rs752847367, gnomAD 0.06%). This variant has not been reported in the literature in individuals affected with SPTB-related conditions. ClinVar contains an entry for this variant (Variation ID: 2683258). An algorithm developed to predict the effect of missense changes on protein structure and function (PolyPhen-2) suggests that this variant is likely to be disruptive. In summary, the available evidence is currently insufficient to determine the role of this variant in disease. Therefore, it has been classified as a Variant of Uncertain Significance.

ARUP Laboratories, Molecular Genetics and Genomics, ARUP Laboratories
Classification: Uncertain significance. Last evaluated: 2024-09-06. Review status: criteria provided, single submitter. Criteria: ARUP Molecular Germline Variant Investigation Process 2024. Collection method: clinical testing. Allele origin: germline.
Comment: The SPTB c.2472G>C; p.Gln824His variant (rs752847367), to our knowledge, is not reported in the medical literature or gene specific databases. This variant is found in the African/African American population with an allele frequency of 0.06% (15/24926 alleles) in the Genome Aggregation Database (v2.1.1). Computational analyses predict that this variant is neutral (REVEL: 0.102). Due to limited information, the clinical significance of this variant is uncertain at this time.

Mayo Clinic Laboratories, Mayo Clinic
Classification: Uncertain significance. Last evaluated: 2022-07-26. Review status: criteria provided, single submitter. Criteria: ACMG Guidelines, 2015. Collection method: clinical testing. Allele origin: germline. Observed: 1 variant allele.

NM_001355436.2(SPTB):c.2472G>C (p.Gln824His)

Gene: SPTB (spectrin beta, erythrocytic; minus strand). Cytogenetic location: 14q23.3.
Variant type: single nucleotide variant.
Coding change: c.2472G>C on transcript NM_001355436.2 (MANE Select); coding-DNA position 2472, G replaced by C.
Protein change: p.Gln824His; replaces glutamine 824 with histidine.
Molecular consequence: missense variant.
Genome position (GRCh38, 1-based): chr14:64,793,191, C>G on the plus strand (G>C on the coding strand, the complement: SPTB is on the minus strand). VCF-style: chr14-64793191-C-G. GRCh37 (hg19) VCF-style: chr14-65259909-C-G.
Other names: p.Gln824His; c.2472G>C, p.Gln824His (NM_001024858.4, NM_001355437.2); short protein forms Q824H.
Identifiers: ClinVar variation 2683258 (VCV002683258.5), dbSNP rs752847367, ClinGen allele CA7230860.